The following is an entry in ClinVar:

ClinVar aggregate classification (germline): Likely benign (1 of 4 stars; one submission).

Allele frequency attached by ClinVar (database versions not stated): TOPMed 0.00001 and below 0.00001.

Submission:

GeneDx
Classification: Likely benign. Last evaluated: 2016-04-07. Review status: criteria provided, single submitter. Criteria: GeneDx Variant Classification (06012015). Collection method: clinical testing. Allele origin: germline. Affected: yes.
Comment: This variant is considered likely benign or benign based on one or more of the following criteria: it is a conservative change, it occurs at a poorly conserved position in the protein, it is predicted to be benign by multiple in silico algorithms, and/or has population frequency not consistent with disease.

NM_001330078.2(NRXN1):c.3330T>C (p.Ser1110=)

Gene: NRXN1 (neurexin 1; minus strand). Cytogenetic location: 2p16.3.
Variant type: single nucleotide variant.
Coding change: c.3330T>C on transcript NM_001330078.2 (MANE Select); coding-DNA position 3330, T replaced by C.
Protein change: p.Ser1110=; no amino-acid change (serine 1110 retained).
Molecular consequence: synonymous variant.
Genome position (GRCh38, 1-based): chr2:50,465,476, A>G on the plus strand (T>C on the coding strand, the complement: NRXN1 is on the minus strand). VCF-style: chr2-50465476-A-G. GRCh37 (hg19) VCF-style: chr2-50692614-A-G.
Other names: c.3450T>C, p.Ser1150= (NM_001135659.3); c.3306T>C, p.Ser1102= (NM_001330077.2, NM_001330082.2); c.3264T>C, p.Ser1088= (NM_001330083.2, NM_001330084.2); c.3303T>C, p.Ser1101= (NM_001330085.2); c.3330T>C, p.Ser1110= (NM_001330086.2, NM_004801.6); c.3219T>C, p.Ser1073= (NM_001330087.2, NM_001330096.2); c.3249T>C, p.Ser1083= (NM_001330088.2); c.3327T>C, p.Ser1109= (NM_001330093.2); and 2 more.
Identifiers: ClinVar variation 385249 (VCV000385249.1), dbSNP rs1057522160, ClinGen allele CA16604351.